The following is an entry in ClinVar:

NM_017541.4(CRYGS):c.500C>G (p.Ser167Cys)

Gene: CRYGS (crystallin gamma S; minus strand). Cytogenetic location: 3q27.3.
Variant type: single nucleotide variant.
Coding change: c.500C>G on transcript NM_017541.4 (MANE Select); coding-DNA position 500, C replaced by G.
Protein change: p.Ser167Cys; replaces serine 167 with cysteine.
Molecular consequence: missense variant.
Genome position (GRCh38, 1-based): chr3:186,538,733, G>C on the plus strand (C>G on the coding strand, the complement: CRYGS is on the minus strand). VCF-style: chr3-186538733-G-C. GRCh37 (hg19) VCF-style: chr3-186256522-G-C.
Other names: short protein forms S167C.
Identifiers: ClinVar variation 3359335 (VCV003359335.1).

ClinVar aggregate classification (germline): Uncertain significance (1 of 4 stars; one submission).

Submission:

GeneDx
Classification: Uncertain significance. Last evaluated: 2023-06-07. Review status: criteria provided, single submitter. Criteria: GeneDx Variant Classification Process June 2021. Collection method: clinical testing. Allele origin: germline. Affected: yes.
Comment: In silico analysis supports that this missense variant has a deleterious effect on protein structure/function; Has not been previously published as pathogenic or benign to our knowledge